The following is an entry in ClinVar:

NM_002474.3(MYH11):c.2180+1G>A

Gene: MYH11 (myosin heavy chain 11; minus strand). Cytogenetic location: 16p13.11.
Variant type: single nucleotide variant.
Coding change: c.2180+1G>A on transcript NM_002474.3 (MANE Select); the canonical splice donor site of the intron after coding-DNA position 2180, G replaced by A.
Molecular consequence: splice donor variant.
Genome position (GRCh38, 1-based): chr16:15,748,046, C>T on the plus strand (G>A on the coding strand, the complement: MYH11 is on the minus strand). VCF-style: chr16-15748046-C-T. GRCh37 (hg19) VCF-style: chr16-15841903-C-T.
Other names: c.2180+1G>A (NM_022844.3); c.2201+1G>A (NM_001040114.2, NM_001040113.2).
Identifiers: ClinVar variation 1923515 (VCV001923515.5), dbSNP rs2151260748, ClinGen allele CA394867911.

ClinVar aggregate classification (germline): Likely pathogenic (1 of 4 stars; one submission).

Conditions:
Aortic aneurysm, familial thoracic 4 (AAT4). Also called: AORTIC ANEURYSM/AORTIC DISSECTION AND PATENT DUCTUS ARTERIOSUS. Identifiers: MedGen C1851504, MONDO:0007568, OMIM 132900.

Submission:

Labcorp Genetics (formerly Invitae), Labcorp
Classification: Likely pathogenic for Aortic aneurysm, familial thoracic 4. Last evaluated: 2022-09-20. Review status: criteria provided, single submitter. Criteria: Invitae Variant Classification Sherloc (09022015). Collection method: clinical testing. Allele origin: germline.
Comment: This variant has not been reported in the literature in individuals affected with MYH11-related conditions. This sequence change affects a donor splice site in intron 18 of the MYH11 gene. It is expected to disrupt RNA splicing. Variants that disrupt the donor or acceptor splice site typically lead to a loss of protein function (PMID: 16199547), and loss-of-function variants in MYH11 are known to be pathogenic (PMID: 25407000, 29575632). This variant is not present in population databases (gnomAD no frequency). Algorithms developed to predict the effect of sequence changes on RNA splicing suggest that this variant may disrupt the consensus splice site. In summary, the currently available evidence indicates that the variant is pathogenic, but additional data are needed to prove that conclusively. Therefore, this variant has been classified as Likely Pathogenic.

Literature cited by the submitters: PubMed 16199547; PubMed 25407000; PubMed 29575632.